The following is an entry in ClinVar:

NM_006846.4(SPINK5):c.3053G>C (p.Gly1018Ala)

Gene: SPINK5 (serine peptidase inhibitor Kazal type 5; plus strand). Cytogenetic location: 5q32.
Variant type: single nucleotide variant.
Coding change: c.3053G>C on transcript NM_006846.4 (MANE Select); coding-DNA position 3053, G replaced by C.
Protein change: p.Gly1018Ala; replaces glycine 1018 with alanine.
Molecular consequence: missense variant.
Genome position (GRCh38, 1-based): chr5:148,131,347, G>C. VCF-style: chr5-148131347-G-C. GRCh37 (hg19) VCF-style: chr5-147510910-G-C.
Other names: c.3143G>C, p.Gly1048Ala (NM_001127698.2); short protein forms G1018A, G1048A.
Identifiers: ClinVar variation 1417857 (VCV001417857.8), dbSNP rs2113234006, ClinGen allele CA361652178.

ClinVar aggregate classification (germline): Uncertain significance (1 of 4 stars; one submission).

Conditions:
Ichthyosis linearis circumflexa. Identifiers: MedGen C0265962, MONDO:0043106, HP:0025810.

Submission:

Labcorp Genetics (formerly Invitae), Labcorp
Classification: Uncertain significance for Ichthyosis linearis circumflexa. Last evaluated: 2022-06-20. Review status: criteria provided, single submitter. Criteria: Invitae Variant Classification Sherloc (09022015). Collection method: clinical testing. Allele origin: germline.
Comment: This sequence change replaces glycine, which is neutral and non-polar, with alanine, which is neutral and non-polar, at codon 1018 of the SPINK5 protein (p.Gly1018Ala). In summary, the available evidence is currently insufficient to determine the role of this variant in disease. Therefore, it has been classified as a Variant of Uncertain Significance. Algorithms developed to predict the effect of missense changes on protein structure and function are either unavailable or do not agree on the potential impact of this missense change (SIFT: "Deleterious"; PolyPhen-2: "Probably Damaging"; Align-GVGD: "Class C0"). This variant has not been reported in the literature in individuals affected with SPINK5-related conditions. This variant is not present in population databases (gnomAD no frequency).